The following is an entry in ClinVar:

ClinVar aggregate classification (germline): Pathogenic. Review status: criteria provided, multiple submitters, no conflicts (2 of 4 stars). 3 submissions from 3 submitters: Pathogenic (3). Last evaluated 2026-06-16.

Conditions:
LAMB2-related infantile-onset nephrotic syndrome. Also called: Nephrotic Syndrome, type 5; NEPHROTIC SYNDROME, TYPE 5, WITHOUT OCULAR ABNORMALITIES; NEPHROTIC SYNDROME, TYPE 5, WITH OCULAR ABNORMALITIES. Identifiers: Orphanet 306507, MedGen C3280113, MONDO:0013621, OMIM 614199.
Pierson syndrome. Also called: MICROCORIA-CONGENITAL NEPHROTIC SYNDROME. Identifiers: Orphanet 2670, MedGen C1836876, MONDO:0012184, OMIM 609049.
Congenital myasthenic syndrome (CMS). Also called: Congenital Myasthenic Syndromes. Identifiers: Orphanet 590, MedGen C0751882, MeSH D020294, MONDO:0018940.

Allele frequency attached by ClinVar (database versions not stated): gnomAD exomes below 0.00001; gnomAD 0.00001; TOPMed 0.00003.

Submissions (3):

MVZ Medizinische Genetik Mainz
Classification: Pathogenic for LAMB2-related infantile-onset nephrotic syndrome. Last evaluated: 2026-06-16. Review status: criteria provided, single submitter. Criteria: UK Practice Guidelines For Variant Classification V4 01 2020. Collection method: clinical testing. Allele origin: germline. Inheritance: Autosomal recessive inheritance. Affected: yes. Observed: 1 variant allele.
Comment: ACMG Criteria: PVS1,PM3,PM2_SUP

Revvity Omics, Revvity
Classification: Pathogenic. Last evaluated: 2022-11-18. Review status: criteria provided, single submitter. Criteria: ACMG Guidelines, 2015. Collection method: clinical testing. Allele origin: germline.

Labcorp Genetics (formerly Invitae), Labcorp
Classification: Pathogenic for LAMB2-related infantile-onset nephrotic syndrome; Pierson syndrome. Last evaluated: 2022-09-13. Review status: criteria provided, single submitter. Criteria: Invitae Variant Classification Sherloc (09022015). Collection method: clinical testing. Allele origin: germline.
Comment: For these reasons, this variant has been classified as Pathogenic. Algorithms developed to predict the effect of sequence changes on RNA splicing suggest that this variant may disrupt the consensus splice site. This sequence change creates a premature translational stop signal (p.Arg550*) in the LAMB2 gene. It is expected to result in an absent or disrupted protein product. Loss-of-function variants in LAMB2 are known to be pathogenic (PMID: 15367484). This variant is present in population databases (no rsID available, gnomAD 0.01%). This premature translational stop signal has been observed in individual(s) with congenital nephrotic syndrome (PMID: 32295525). In at least one individual the data is consistent with being in trans (on the opposite chromosome) from a pathogenic variant. ClinVar contains an entry for this variant (Variation ID: 974625).

Literature cited by the submitters: PubMed 15367484 (cited by Labcorp Genetics (formerly Invitae), Labcorp); PubMed 32295525 (cited by Labcorp Genetics (formerly Invitae), Labcorp).

NM_002292.4(LAMB2):c.1648C>T (p.Arg550Ter)

Gene: LAMB2 (laminin subunit beta 2; minus strand). Cytogenetic location: 3p21.31.
Variant type: single nucleotide variant.
Coding change: c.1648C>T on transcript NM_002292.4 (MANE Select); coding-DNA position 1648, C replaced by T.
Protein change: p.Arg550Ter; replaces arginine 550 with a stop codon.
Molecular consequence: nonsense.
Genome position (GRCh38, 1-based): chr3:49,129,103, G>A on the plus strand (C>T on the coding strand, the complement: LAMB2 is on the minus strand). VCF-style: chr3-49129103-G-A. GRCh37 (hg19) VCF-style: chr3-49166536-G-A.
Other names: short protein forms R550*.
Identifiers: ClinVar variation 974625 (VCV000974625.11), dbSNP rs1218889239, ClinGen allele CA352734623.